The following is an entry in ClinVar:

NM_015267.4(CUX2):c.1768G>A (p.Glu590Lys)

Gene: CUX2 (cut like homeobox 2; plus strand). Cytogenetic location: 12q24.12.
Variant type: single nucleotide variant.
Coding change: c.1768G>A on transcript NM_015267.4 (MANE Select); coding-DNA position 1768, G replaced by A.
Protein change: p.Glu590Lys; replaces glutamic acid 590 with lysine.
Molecular consequence: missense variant.
Genome position (GRCh38, 1-based): chr12:111,310,550, G>A. VCF-style: chr12-111310550-G-A. GRCh37 (hg19) VCF-style: chr12-111748354-G-A.
Other names: c.1582G>A, p.Glu528Lys (NM_001370598.1); short protein forms E590K, E528K.
Identifiers: ClinVar variation 585015 (VCV000585015.18), dbSNP rs1565909334, ClinGen allele CA386709856.

ClinVar aggregate classification (germline): Pathogenic/Likely pathogenic. Review status: criteria provided, multiple submitters, no conflicts (2 of 4 stars). 12 submissions from 12 submitters: Pathogenic (7); Likely pathogenic (2). 3 of the submissions do not count toward it. Last evaluated 2025-10-11.

Conditions:
CUX2-related disorder. Also called: CUX2-related condition.
Developmental and epileptic encephalopathy. Identifiers: MedGen C5779964, MONDO:0100620.
Developmental and epileptic encephalopathy, 67. Also called: EPILEPTIC ENCEPHALOPATHY, EARLY INFANTILE, 67. Identifiers: MedGen C4748341, MONDO:0029138, OMIM 618141.

Submissions (12):

Medical and Scientific Branch, Hong Kong Genome Institute
Classification: Pathogenic for Developmental and epileptic encephalopathy, 67. Last evaluated: 2025-10-11. Review status: criteria provided, single submitter. Criteria: ACMG Guidelines, 2015. Collection method: clinical testing. Allele origin: de novo. Affected: yes.

GeneDx
Classification: Pathogenic. Last evaluated: 2024-09-26. Review status: criteria provided, single submitter. Criteria: GeneDx Variant Classification Process June 2021. Collection method: clinical testing. Allele origin: germline. Affected: yes.
Comment: Not observed at significant frequency in large population cohorts (gnomAD); In silico analysis supports that this missense variant has a deleterious effect on protein structure/function; This variant is associated with the following publications: (PMID: 33057194, 35982159, 34758253, 23020937, 28191890, 30842224, 24866042, 29630738, 28628100, 29795476)

Institute of Medical Genetics and Applied Genomics, University Hospital Tübingen
Classification: Pathogenic for Developmental and epileptic encephalopathy, 67. Last evaluated: 2023-07-31. Review status: criteria provided, single submitter. Criteria: ACMG Guidelines, 2015. Collection method: clinical testing. Allele origin: germline. Inheritance: Autosomal dominant inheritance. Affected: yes.

PreventionGenetics, part of Exact Sciences
Classification: Pathogenic for CUX2-related condition. Last evaluated: 2022-11-29. Review status: criteria provided, single submitter. Criteria: ACMG Guidelines, 2015. Collection method: clinical testing. Allele origin: germline.
Comment: The CUX2 c.1768G>A variant is predicted to result in the amino acid substitution p.Glu590Lys. This variant has been repeatedly reported to occur de novo in individuals with nonsyndromic intellectual disability (see for example at Rauch et al. 2012. PubMed ID: 23020937, described as chr12: g.111748354G>A at Table 4 and Supplementary Table S2 & S8; Kosmicki et al. 2017. PubMed ID: 28191890, Supplementary Table 2; Geisheker et al. 2017. PubMed ID: 28628100, Suppl. Table 4; Iwama et al. 2019. PubMed ID: 30842224). This variant has not been reported in a large population database, indicating this variant is rare. This variant is interpreted as pathogenic.

Baylor Genetics
Classification: Pathogenic for Developmental and epileptic encephalopathy, 67. Last evaluated: 2022-09-04. Review status: criteria provided, single submitter. Criteria: ACMG Guidelines, 2015. Collection method: clinical testing. Allele origin: unknown.

AURAGEN, Plan France Médecine Génomique
Classification: Pathogenic for Developmental and epileptic encephalopathy. Last evaluated: 2021-03-26. Review status: criteria provided, single submitter. Criteria: PFMG2025 (Lancet Reg Health Eur. 2025). Collection method: clinical testing. Allele origin: germline. Affected: yes.

SIB Swiss Institute of Bioinformatics
Classification: Likely pathogenic for Developmental and epileptic encephalopathy, 67. Last evaluated: 2019-02-27. Review status: criteria provided, single submitter. Criteria: ACMG Guidelines, 2015. Collection method: curation. Allele origin: unknown.
Comment: This variant is interpreted as a Likely pathogenic for Epileptic encephalopathy, early infantile, 67, autosomal dominant. The following ACMG Tag(s) were applied: PM2 : Absent from controls (or at extremely low frequency if recessive) in Exome Sequencing Project, 1000 Genomes Project, or Exome Aggregation Consortium. PS4-Moderate : PS4 downgraded in strength to Moderate (Variant absent from controls and recurrent in multiple unrelated patients PMID:28628100,23020937,29630738,29795476). PP3 : Multiple lines of computational evidence support a deleterious effect on the gene or gene product. PM6-Strong : PM6 upgraded in strength to Strong (Assumed de novo in multiple unrelated patients PMID:28628100,23020937,29630738,29795476).

Cytogénomique, Hospices Civils de Lyon
Classification: Likely pathogenic for Developmental and epileptic encephalopathy, 67. Last evaluated: 2016-05-18. Review status: criteria provided, single submitter. Criteria: ACMG Guidelines, 2015. Collection method: clinical testing. Allele origin: de novo. Inheritance: Autosomal dominant inheritance. Affected: yes.

Juno Genomics, Hangzhou Juno Genomics, Inc
Classification: Pathogenic for Developmental and epileptic encephalopathy, 67. Review status: criteria provided, single submitter. Criteria: ACMG Guidelines, 2015. Collection method: clinical testing. Allele origin: germline. Affected: yes.
Comment: Absent from controls (or at extremely low frequency if recessive) in Genome Aggregation Database, Exome Sequencing Project, 1000 Genomes Project, or Exome Aggregation Consortium.;De novo (both maternity and paternity confirmed) in a patient with the disease and no family history.;The prevalence of the variant in affected individuals is significantly increased compared to the prevalence in controls.

Molecular Genetics laboratory, Necker Hospital
Classification: Pathogenic. Last evaluated: 2021-04-12. Review status: no assertion criteria provided. Collection method: clinical testing. Allele origin: de novo. Affected: yes. Not counted in ClinVar's aggregate classification.

OMIM
Classification: Pathogenic for DEVELOPMENTAL AND EPILEPTIC ENCEPHALOPATHY 67. Last evaluated: 2020-11-24. Review status: no assertion criteria provided. Collection method: literature only. Allele origin: germline. Not counted in ClinVar's aggregate classification.

Genomics England Pilot Project, Genomics England
Classification: Likely pathogenic for Developmental and epileptic encephalopathy, 67. Review status: no assertion criteria provided. Criteria: ACGS Guidelines, 2016. Collection method: clinical testing. Allele origin: germline. Affected: yes. Not counted in ClinVar's aggregate classification.

Literature cited by the submitters: PubMed 28628100 (cited by SIB Swiss Institute of Bioinformatics); PubMed 23020937 (cited by SIB Swiss Institute of Bioinformatics); PubMed 29630738 (cited by SIB Swiss Institute of Bioinformatics and OMIM); PubMed 29795476 (cited by SIB Swiss Institute of Bioinformatics and OMIM).